The following is an entry in ClinVar:

ClinVar aggregate classification (germline): Pathogenic (1 of 4 stars; one submission).

Conditions:
Alport syndrome. Also called: Hemorrhagic familial nephritis; Hemorrhagic hereditary nephritis; Congenital hereditary hematuria. Identifiers: Orphanet 63, MedGen C1567741, MONDO:0018965.

Submission:

Myriad Genetics, Inc.
Classification: Pathogenic for Alport syndrome. Last evaluated: 2023-09-27. Review status: criteria provided, single submitter. Criteria: Myriad Autosomal Dominant, Autosomal Recessive and X-Linked Classification Criteria (2023). Collection method: clinical testing. Allele origin: unknown.
Comment: NM_000091.4(COL4A3):c.152dupA(F53Lfs*17) is expected to be pathogenic in the context of Alport syndrome, COL4A3-related. This variant is predicted to lead to an abnormal or absent protein product due to the creation of a premature termination codon in COL4A3, a gene where loss-of-function variants are known to be pathogenic. Please note: this variant was assessed in the context of healthy population screening.

NM_000091.5(COL4A3):c.152dup (p.Phe53fs)

Genes: COL4A3 (collagen type IV alpha 3 chain; plus strand), MFF-DT (MFF divergent transcript; minus strand). Cytogenetic location: 2q36.3.
Variant type: Duplication.
Coding change: c.152dup on transcript NM_000091.5 (MANE Select); coding-DNA position 152, one base duplicated (A; older notation c.152dupA).
Protein change: p.Phe53fs; shifts the reading frame from phenylalanine 53.
Molecular consequence: frameshift variant.
Genome position (GRCh38, 1-based): chr2:227,240,150, A duplicated; the last of 2 consecutive A bases (chr2:227,240,149-227,240,150); duplicating either gives the same sequence. VCF-style (leftmost placement, unchanged base first): chr2-227240148-G-GA. GRCh37 (hg19) VCF-style: chr2-228104864-G-GA.
Other names: short protein forms F53fs.
Identifiers: ClinVar variation 5012172 (VCV005012172.1).